The following is an entry in ClinVar:

ClinVar aggregate classification (germline): Uncertain significance (1 of 4 stars; one submission).

Allele frequency attached by ClinVar (database versions not stated): gnomAD exomes below 0.00001.
gnomAD v4.1: 2 of 1,614,158 alleles (0.00012%); highest among the groups gnomAD compares: South Asian, 0.0011%; no homozygotes.

Submission:

Labcorp Genetics (formerly Invitae), Labcorp
Classification: Uncertain significance. Last evaluated: 2022-05-06. Review status: criteria provided, single submitter. Criteria: Invitae Variant Classification Sherloc (09022015). Collection method: clinical testing. Allele origin: germline.
Comment: This sequence change replaces histidine, which is basic and polar, with tyrosine, which is neutral and polar, at codon 2706 of the USH2A protein (p.His2706Tyr). This variant is present in population databases (no rsID available, gnomAD 0.003%). In summary, the available evidence is currently insufficient to determine the role of this variant in disease. Therefore, it has been classified as a Variant of Uncertain Significance. Algorithms developed to predict the effect of missense changes on protein structure and function are either unavailable or do not agree on the potential impact of this missense change (SIFT: "Deleterious"; PolyPhen-2: "Benign"; Align-GVGD: "Class C0"). ClinVar contains an entry for this variant (Variation ID: 1002279). This variant has not been reported in the literature in individuals affected with USH2A-related conditions.

NM_206933.4(USH2A):c.8116C>T (p.His2706Tyr)

Gene: USH2A (usherin; minus strand). Cytogenetic location: 1q41.
Variant type: single nucleotide variant.
Coding change: c.8116C>T on transcript NM_206933.4 (MANE Select); coding-DNA position 8116, C replaced by T.
Protein change: p.His2706Tyr; replaces histidine 2706 with tyrosine.
Molecular consequence: missense variant.
Genome position (GRCh38, 1-based): chr1:215,888,533, G>A on the plus strand (C>T on the coding strand, the complement: USH2A is on the minus strand). VCF-style: chr1-215888533-G-A. GRCh37 (hg19) VCF-style: chr1-216061875-G-A.
Other names: short protein forms H2706Y.
Identifiers: ClinVar variation 1002279 (VCV001002279.6), dbSNP rs1237514743, ClinGen allele CA344838785.